The following is an entry in ClinVar:

NM_001375567.1(FOCAD):c.374A>G (p.Gln125Arg)

Gene: FOCAD (focadhesin; plus strand). Cytogenetic location: 9p21.3.
Variant type: single nucleotide variant.
Coding change: c.374A>G on transcript NM_001375567.1 (MANE Select); coding-DNA position 374, A replaced by G.
Protein change: p.Gln125Arg; replaces glutamine 125 with arginine.
Molecular consequence: missense variant. On other transcripts: intron variant (1).
Genome position (GRCh38, 1-based): chr9:20,740,322, A>G. VCF-style: chr9-20740322-A-G. GRCh37 (hg19) VCF-style: chr9-20740321-A-G.
Other names: c.374A>G, p.Gln125Arg (NM_001375568.1, NM_017794.5); c.288-17768A>G (NM_001375570.1); short protein forms Q125R.
Identifiers: ClinVar variation 2209723 (VCV002209723.6), dbSNP rs373907768, ClinGen allele CA5006313.
Genomic context (GRCh38, chr9:20,740,322, plus strand): 5'-TTATGCACTTACTACAAATGCAAGCTCTTAAGGAAGGACAAGGTGGGGAAAAGAATATTC[A>G]GAGTATATATACCATTAGGTAAGCCTTTTTTCTGTTTTTTTTTTAAACAAATATGAATTT-3'
Protein context (NP_001362496.1, residues 115-135): KEGQGGEKNI[Gln125Arg]SIYTIRNHPH

ClinVar aggregate classification (germline): Uncertain significance. Review status: criteria provided, multiple submitters, no conflicts (2 of 4 stars). 2 submissions from 2 submitters: Uncertain significance (2). Last evaluated 2025-06-24.

Conditions:
Inborn genetic diseases. Identifiers: MedGen C0950123, MeSH D030342.

Allele frequency attached by ClinVar (database versions not stated): gnomAD 0.00002; TOPMed 0.00002; ESP Exome Variant Server 0.00008; ExAC 0.00001.

Submissions (2):

Ambry Genetics
Classification: Uncertain significance for Inborn genetic diseases. Last evaluated: 2025-06-24. Review status: criteria provided, single submitter. Criteria: Ambry Variant Classification Scheme 2023. Collection method: clinical testing. Allele origin: germline.

Labcorp Genetics (formerly Invitae), Labcorp
Classification: Uncertain significance. Last evaluated: 2025-06-16. Review status: criteria provided, single submitter. Criteria: Invitae Variant Classification Sherloc (09022015). Collection method: clinical testing. Allele origin: germline.
Comment: This sequence change replaces glutamine, which is neutral and polar, with arginine, which is basic and polar, at codon 125 of the FOCAD protein (p.Gln125Arg). This variant is present in population databases (rs373907768, gnomAD 0.005%). This variant has not been reported in the literature in individuals affected with FOCAD-related conditions. ClinVar contains an entry for this variant (Variation ID: 2209723). Experimental studies and prediction algorithms are not available or were not evaluated, and the functional significance of this variant is currently unknown. In summary, the available evidence is currently insufficient to determine the role of this variant in disease. Therefore, it has been classified as a Variant of Uncertain Significance.